The following is an entry in ClinVar:

NM_000179.3(MSH6):c.2769G>A (p.Lys923=)

Gene: MSH6 (mutS homolog 6; plus strand). Cytogenetic location: 2p16.3.
Variant type: single nucleotide variant.
Coding change: c.2769G>A on transcript NM_000179.3 (MANE Select); coding-DNA position 2769, G replaced by A.
Protein change: p.Lys923=; no amino-acid change (lysine 923 retained).
Molecular consequence: synonymous variant.
Genome position (GRCh38, 1-based): chr2:47,800,752, G>A. VCF-style: chr2-47800752-G-A. GRCh37 (hg19) VCF-style: chr2-48027891-G-A.
Other names: c.2379G>A, p.Lys793= (NM_001281492.2); c.1863G>A, p.Lys621= (NM_001281493.2, NM_001281494.2).
Identifiers: ClinVar variation 797286 (VCV000797286.11), dbSNP rs1572728618, ClinGen allele CA426121666.

ClinVar aggregate classification (germline): Benign/Likely benign. Review status: criteria provided, multiple submitters, no conflicts (2 of 4 stars). 3 submissions from 3 submitters: Benign (1); Likely benign (2). Last evaluated 2025-05-13.

Conditions:
Hereditary cancer-predisposing syndrome. Also called: Neoplastic Syndromes, Hereditary; Hereditary neoplastic syndrome; Tumor predisposition; Hereditary Cancer Syndrome. Identifiers: Orphanet 140162, MedGen C0027672, MeSH D009386, MONDO:0015356.
Hereditary nonpolyposis colorectal neoplasms. Identifiers: MedGen C0009405, MeSH D003123.
Lynch syndrome 5 (LYNCH5). Also called: Colorectal cancer, hereditary nonpolyposis, type 5; Hereditary non-polyposis colorectal cancer, type 5. Identifiers: Orphanet 144, MedGen C1833477, MONDO:0013710, OMIM 614350. Disease mechanism: loss of function.

Submissions (3):

Ambry Genetics
Classification: Likely benign for Hereditary cancer-predisposing syndrome. Last evaluated: 2025-05-13. Review status: criteria provided, single submitter. Criteria: Ambry Variant Classification Scheme 2023. Collection method: clinical testing. Allele origin: germline.

Myriad Genetics, Inc.
Classification: Benign for Lynch syndrome 5. Last evaluated: 2025-01-02. Review status: criteria provided, single submitter. Criteria: Myriad Autosomal Dominant, Autosomal Recessive and X-Linked Classification Criteria (2023). Collection method: clinical testing. Allele origin: unknown.
Comment: This variant is considered benign. This variant is a silent/synonymous amino acid change and it is not expected to impact splicing.

Labcorp Genetics (formerly Invitae), Labcorp
Classification: Likely benign for Hereditary nonpolyposis colorectal neoplasms. Last evaluated: 2022-02-18. Review status: criteria provided, single submitter. Criteria: Invitae Variant Classification Sherloc (09022015). Collection method: clinical testing. Allele origin: germline.